The following is an entry in ClinVar:

ClinVar aggregate classification (germline): Uncertain significance. Review status: criteria provided, multiple submitters, no conflicts (2 of 4 stars). 2 submissions from 2 submitters: Uncertain significance (2). Last evaluated 2025-08-23.

Conditions:
Inborn genetic diseases. Identifiers: MedGen C0950123, MeSH D030342.

Allele frequency attached by ClinVar (database versions not stated): gnomAD 0.00001; ExAC 0.00002; gnomAD exomes 0.00002 and 0.00003; TOPMed 0.00003.
gnomAD v4.1: 30 of 1,613,472 alleles (0.0019%); highest among the groups gnomAD compares: East Asian, 0.025%; no homozygotes.

Submissions (2):

Ambry Genetics
Classification: Uncertain significance for Inborn genetic diseases. Last evaluated: 2025-08-23. Review status: criteria provided, single submitter. Criteria: Ambry Variant Classification Scheme 2023. Collection method: clinical testing. Allele origin: germline.

Labcorp Genetics (formerly Invitae), Labcorp
Classification: Uncertain significance. Last evaluated: 2022-06-03. Review status: criteria provided, single submitter. Criteria: Invitae Variant Classification Sherloc (09022015). Collection method: clinical testing. Allele origin: germline.
Comment: In summary, the available evidence is currently insufficient to determine the role of this variant in disease. Therefore, it has been classified as a Variant of Uncertain Significance. Algorithms developed to predict the effect of missense changes on protein structure and function are either unavailable or do not agree on the potential impact of this missense change (SIFT: "Tolerated"; PolyPhen-2: "Possibly Damaging"; Align-GVGD: "Class C0"). ClinVar contains an entry for this variant (Variation ID: 1366918). This variant has not been reported in the literature in individuals affected with RGS9-related conditions. This variant is present in population databases (rs766188482, gnomAD 0.02%). This sequence change replaces arginine, which is basic and polar, with histidine, which is basic and polar, at codon 512 of the RGS9 protein (p.Arg512His).

NM_003835.4(RGS9):c.1535G>A (p.Arg512His)

Gene: RGS9 (regulator of G protein signaling 9; plus strand). Cytogenetic location: 17q24.1.
Variant type: single nucleotide variant.
Coding change: c.1535G>A on transcript NM_003835.4 (MANE Select); coding-DNA position 1535, G replaced by A.
Protein change: p.Arg512His; replaces arginine 512 with histidine.
Molecular consequence: missense variant.
Genome position (GRCh38, 1-based): chr17:65,225,129, G>A. VCF-style: chr17-65225129-G-A. GRCh37 (hg19) VCF-style: chr17-63221247-G-A.
Other names: c.1526G>A, p.Arg509His (NM_001081955.3); c.1535G>A (NM_003835.3); short protein forms R512H, R509H.
Identifiers: ClinVar variation 1366918 (VCV001366918.7), dbSNP rs766188482, ClinGen allele CA8718088.